The following is an entry in ClinVar:

NM_000518.5(HBB):c.294C>G (p.His98Gln)

Genes: HBB (hemoglobin subunit beta; minus strand), LOC106099062 (HBB recombination region; plus strand), LOC107133510 (origin of replication at HBB; plus strand). Cytogenetic location: 11p15.4.
Variant type: single nucleotide variant.
Coding change: c.294C>G on transcript NM_000518.5 (MANE Select); coding-DNA position 294, C replaced by G.
Protein change: p.His98Gln; replaces histidine 98 with glutamine.
Molecular consequence: missense variant.
Genome position (GRCh38, 1-based): chr11:5,226,598, G>C on the plus strand (C>G on the coding strand, the complement: HBB is on the minus strand). VCF-style: chr11-5226598-G-C. GRCh37 (hg19) VCF-style: chr11-5247828-G-C.
Other names: short protein forms H98Q.
Identifiers: ClinVar variation 801186 (VCV000801186.17), dbSNP rs34515413, ClinGen allele CA217113536.
Genomic context (GRCh38, chr11:5,226,598, plus strand): 5'-AGAAGGGGAAAGAAAACATCAAGCGTCCCATAGACTCACCCTGAAGTTCTCAGGATCCAC[G>C]TGCAGCTTGTCACAGTGCAGCTCACTCAGTGTGGCAAAGGTGCCCTTGAGGTTGTCCAGG-3'
Protein context (NP_000509.1, residues 88-108): TLSELHCDKL[His98Gln]VDPENFRLLG

ClinVar aggregate classification (germline): Pathogenic/Likely pathogenic. Review status: criteria provided, multiple submitters, no conflicts (2 of 4 stars). 4 submissions from 4 submitters: Pathogenic (3); Likely pathogenic (1). Last evaluated 2025-04-09.

Submissions (4):

GeneDx
Classification: Pathogenic. Last evaluated: 2025-04-09. Review status: criteria provided, single submitter. Criteria: GeneDx Variant Classification Process June 2021. Collection method: clinical testing. Allele origin: germline. Affected: yes.
Comment: Published functional studies demonstrate that this variant results in altered oxygen affinity (PMID: 5011106); Not observed at significant frequency in large population cohorts (gnomAD); In silico analysis supports that this missense variant has a deleterious effect on protein structure/function; Referred to as Hb Malmo (PMID: 5011106, 1268084, 36749, 8571935); This variant is associated with the following publications: (PMID: 19429541, 5011106, 1268084, 36749, 8571935, 24599433, 31923331, 8890707, 2501172, 5128393, 23859443, 1271179, 24482100, 5073564)

Revvity Omics, Revvity
Classification: Likely pathogenic. Last evaluated: 2021-07-27. Review status: criteria provided, single submitter. Criteria: ACMG Guidelines, 2015. Collection method: clinical testing. Allele origin: germline.

ARUP Laboratories, Molecular Genetics and Genomics, ARUP Laboratories
Classification: Pathogenic. Last evaluated: 2020-12-03. Review status: criteria provided, single submitter. Criteria: ARUP Molecular Germline Variant Investigation Process 2021. Collection method: clinical testing. Allele origin: germline.
Comment: The HBB c.294C>G; p.His98Gln variant (rs34515413), also known as Hb Malmo, is reported in the literature in multiple individuals affected with erythrocytosis (Santbergen 2014, HbVar and references therein). Additionally, other variants at this codon (c.294C>A; p.His98Gln, Hb Malmo and c.293A>T; p.His98Leu, Hb Wood) have been reported in individuals with erythrocytosis and are considered pathogenic (HbVar and references therein). The c.294C>G; p.His98Gln variant is reported in ClinVar (Variation ID: 15259), and is absent from general population databases (1000 Genomes Project, Exome Variant Server, and Genome Aggregation Database), indicating it is not a common polymorphism. The histidine at codon 98 is highly conserved, and computational analyses predict that this variant is deleterious (REVEL 0.872). Based on available information, the Hb Malmo variant is considered to be pathogenic. References: Link to HbVar for Hb Malmo: Link to HbVar for Hb Wood: Santbergen B et al. At high altitude in the Netherlands: secondary erythrocytosis due to HB-Malmo. BMJ Case Rep. 2014 Mar 5;2014. pii: bcr2014203701.

Quest Diagnostics Nichols Institute San Juan Capistrano
Classification: Pathogenic. Last evaluated: 2019-01-31. Review status: criteria provided, single submitter. Criteria: Quest Diagnostics criteria. Collection method: clinical testing. Allele origin: germline.
Comment: Not found in the total gnomAD dataset, and the data are high quality. Predicted to have a damaging effect on the protein. Assessment of experimental evidence suggests this variant results in abnormal protein function. Moderate co-segregation with disease.

Literature cited by the submitters: PubMed 8571935 (cited by Quest Diagnostics Nichols Institute San Juan Capistrano); PubMed 19429541 (cited by Quest Diagnostics Nichols Institute San Juan Capistrano); PubMed 24599433 (cited by Quest Diagnostics Nichols Institute San Juan Capistrano); PubMed 8890707 (cited by Quest Diagnostics Nichols Institute San Juan Capistrano); PubMed 24482100 (cited by Quest Diagnostics Nichols Institute San Juan Capistrano); PubMed 2501172 (cited by Quest Diagnostics Nichols Institute San Juan Capistrano).